The following is an entry in ClinVar:

ClinVar aggregate classification (germline): Likely benign (1 of 4 stars; one submission).

Submission:

GeneDx
Classification: Likely benign. Last evaluated: 2016-09-21. Review status: criteria provided, single submitter. Criteria: GeneDx Variant Classification (06012015). Collection method: clinical testing. Allele origin: germline. Affected: yes.
Comment: This variant is considered likely benign or benign based on one or more of the following criteria: it is a conservative change, it occurs at a poorly conserved position in the protein, it is predicted to be benign by multiple in silico algorithms, and/or has population frequency not consistent with disease.

NM_005629.4(SLC6A8):c.1323C>T (p.Phe441=)

Gene: SLC6A8 (solute carrier family 6 member 8; plus strand). Cytogenetic location: Xq28.
Variant type: single nucleotide variant.
Coding change: c.1323C>T on transcript NM_005629.4 (MANE Select); coding-DNA position 1323, C replaced by T.
Protein change: p.Phe441=; no amino-acid change (phenylalanine 441 retained).
Molecular consequence: synonymous variant.
Genome position (GRCh38, 1-based): chrX:153,694,198, C>T. VCF-style: chrX-153694198-C-T. GRCh37 (hg19) VCF-style: chrX-152959653-C-T.
Other names: c.1293C>T, p.Phe431= (NM_001142805.2); c.978C>T, p.Phe326= (NM_001142806.1).
Identifiers: ClinVar variation 389337 (VCV000389337.1), dbSNP rs1057523404, ClinGen allele CA16608733.